The following is an entry in ClinVar:

NM_000051.4(ATM):c.4236+8T>C

Gene: ATM (ATM serine/threonine kinase; plus strand). Cytogenetic location: 11q22.3.
Variant type: single nucleotide variant.
Coding change: c.4236+8T>C on transcript NM_000051.4 (MANE Select); 8 bases into the intron after coding-DNA position 4236, T replaced by C.
Molecular consequence: intron variant.
Genome position (GRCh38, 1-based): chr11:108,289,111, T>C. VCF-style: chr11-108289111-T-C. GRCh37 (hg19) VCF-style: chr11-108159838-T-C.
Other names: c.4236+8T>C (NM_001351834.2).
Identifiers: ClinVar variation 215583 (VCV000215583.16), dbSNP rs765636697, ClinGen allele CA337480.

ClinVar aggregate classification (germline): Likely benign. Review status: criteria provided, multiple submitters, no conflicts (2 of 4 stars). 4 submissions from 4 submitters: Likely benign (3). 1 of the submissions does not count toward it. Last evaluated 2026-01-09.

Conditions:
Ataxia-telangiectasia syndrome (AT). Also called: Cerebello-oculocutaneous telangiectasia; Immunodeficiency with ataxia telangiectasia; Ataxia telangiectasia (A-T); LOUIS-BAR SYNDROME; ATAXIA-TELANGIECTASIA, COMPLEMENTATION GROUP A; ATAXIA-TELANGIECTASIA, FRESNO VARIANT. Identifiers: Orphanet 100, MedGen C0004135, MONDO:0008840, OMIM 208900.
Familial cancer of breast. Also called: Hereditary breast cancer; BREAST CANCER, FAMILIAL; hereditary breast carcinoma. Identifiers: Orphanet 227535, MedGen C0346153, MONDO:0016419, OMIM 114480. Disease mechanism: loss of function.

Allele frequency attached by ClinVar (database versions not stated): gnomAD exomes below 0.00001; ExAC 0.00001; gnomAD 0.00001.
gnomAD v4.1: 6 of 1,604,536 alleles (0.00037%); highest among the groups gnomAD compares: Non-Finnish European, 0.00051%; no homozygotes.

Submissions (4):

Labcorp Genetics (formerly Invitae), Labcorp
Classification: Likely benign for Ataxia-telangiectasia syndrome. Last evaluated: 2026-01-09. Review status: criteria provided, single submitter. Criteria: Invitae Variant Classification Sherloc (09022015). Collection method: clinical testing. Allele origin: germline.

Myriad Genetics, Inc.
Classification: Likely benign for Familial cancer of breast. Last evaluated: 2024-05-17. Review status: criteria provided, single submitter. Criteria: Myriad Autosomal Dominant, Autosomal Recessive and X-Linked Classification Criteria (2023). Collection method: clinical testing. Allele origin: unknown.
Comment: This variant is considered likely benign. This variant is intronic and is not expected to impact mRNA splicing.

Women's Health and Genetics/Laboratory Corporation of America, LabCorp
Classification: Likely benign. Last evaluated: 2021-01-30. Review status: criteria provided, single submitter. Criteria: LabCorp Variant Classification Summary - May 2015. Collection method: clinical testing. Allele origin: germline.
Comment: Variant summary: ATM c.4236+8T>C alters a non-conserved nucleotide located close to a canonical splice site and therefore could affect mRNA splicing, leading to a significantly altered protein sequence. 4/4 computational tools predict no significant impact on normal splicing. However, these predictions have yet to be confirmed by functional studies. The variant allele was found at a frequency of 4e-06 in 247958 control chromosomes. The available data on variant occurrences in the general population are insufficient to allow any conclusion about variant significance. To our knowledge, no occurrence of c.4236+8T>C in individuals affected with Ataxia Telangiectasia, Breast Cancer or any ATM-associated disease and no experimental evidence demonstrating its impact on protein function have been reported. Two clinical diagnostic laboratories have submitted clinical-significance assessments for this variant to ClinVar after 2014 without evidence for independent evaluation. Both submitters classified the variant as likely benign. Based on the evidence outlined above, and to reflect the emerging consensus among peers, the variant was classified as likely benign.

Counsyl
Classification: Likely benign for Ataxia-telangiectasia syndrome. Last evaluated: 2017-05-26. Review status: no assertion criteria provided. Collection method: clinical testing. Allele origin: unknown. Not counted in ClinVar's aggregate classification.